The following is an entry in ClinVar:

ClinVar aggregate classification (germline): Uncertain significance (1 of 4 stars; one submission).

Conditions:
Hereditary cancer-predisposing syndrome. Also called: Hereditary Cancer Syndrome; Hereditary neoplastic syndrome; Tumor predisposition; Neoplastic Syndromes, Hereditary. Identifiers: Orphanet 140162, MedGen C0027672, MeSH D009386, MONDO:0015356.

Submission:

Ambry Genetics
Classification: Uncertain significance for Hereditary cancer-predisposing syndrome. Last evaluated: 2022-01-09. Review status: criteria provided, single submitter. Criteria: Ambry Variant Classification Scheme 2023. Collection method: clinical testing. Allele origin: germline.
Comment: The p.D752Y variant (also known as c.2254G>T), located in coding exon 13 of the PMS2 gene, results from a G to T substitution at nucleotide position 2254. The aspartic acid at codon 752 is replaced by tyrosine, an amino acid with highly dissimilar properties. This amino acid position is conserved. In addition, this alteration is predicted to be deleterious by in silico analysis. Since supporting evidence is limited at this time, the clinical significance of this alteration remains unclear.

NM_000535.7(PMS2):c.2254G>T (p.Asp752Tyr)

Gene: PMS2 (PMS1 homolog 2, mismatch repair system component; minus strand). Cytogenetic location: 7p22.1.
Variant type: single nucleotide variant.
Coding change: c.2254G>T on transcript NM_000535.7 (MANE Select); coding-DNA position 2254, G replaced by T.
Protein change: p.Asp752Tyr; replaces aspartic acid 752 with tyrosine.
Molecular consequence: missense variant. On other transcripts: non-coding transcript variant (1).
Genome position (GRCh38, 1-based): chr7:5,978,617, C>A on the plus strand (G>T on the coding strand, the complement: PMS2 is on the minus strand). VCF-style: chr7-5978617-C-A. GRCh37 (hg19) VCF-style: chr7-6018248-C-A.
Other names: c.1849G>T, p.Asp617Tyr (NM_001018040.1, NM_001322003.2, NM_001322004.2 and 15 more transcripts); c.2098G>T, p.Asp700Tyr (NM_001322006.2, NM_001406870.1); c.1936G>T, p.Asp646Tyr (NM_001322007.2, NM_001322008.2, NM_001406876.1 and 1 more transcripts); c.1693G>T, p.Asp565Tyr (NM_001322010.2, NM_001406906.1, NM_001406907.1); c.1321G>T, p.Asp441Tyr (NM_001322011.2, NM_001322012.2); c.1681G>T, p.Asp561Tyr (NM_001322013.2, NM_001406908.1, NM_001406909.1); c.2254G>T, p.Asp752Tyr (NM_001322014.2); c.1945G>T, p.Asp649Tyr (NM_001322015.2, NM_001406875.1, NM_001406877.1 and 5 more transcripts); and 14 more; short protein forms D441Y, D594Y, D630Y, D644Y, D495Y, D565Y, D581Y, D686Y.
Identifiers: ClinVar variation 1788497 (VCV001788497.2), dbSNP rs2128682308, ClinGen allele CA366736531.